The following is an entry in ClinVar:

ClinVar aggregate classification (germline): Conflicting classifications of pathogenicity. Review status: criteria provided, conflicting classifications (1 of 4 stars). 3 submissions from 3 submitters: Uncertain significance (2); Likely benign (1). Last evaluated 2025-10-14.

Conditions:
Pyogenic arthritis-pyoderma gangrenosum-acne syndrome (PAPA). Also called: FAMILIAL RECURRENT ARTHRITIS; PAPA SYNDROME. Identifiers: Orphanet 69126, MedGen C1858361, MONDO:0011462, OMIM 604416.

Allele frequency attached by ClinVar (database versions not stated): ESP Exome Variant Server 0.00008; 1000 Genomes Project 30x 0.00016; gnomAD 0.00019 and 0.00022; 1000 Genomes Project 0.00020; TOPMed 0.00028.
gnomAD v4.1: 150 of 1,612,526 alleles (0.0093%); highest among the groups gnomAD compares: African/African-American, 0.08%; no homozygotes.

Submissions (3):

Labcorp Genetics (formerly Invitae), Labcorp
Classification: Uncertain significance for Pyogenic arthritis-pyoderma gangrenosum-acne syndrome. Last evaluated: 2025-10-14. Review status: criteria provided, single submitter. Criteria: Invitae Variant Classification Sherloc (09022015). Collection method: clinical testing. Allele origin: germline.
Comment: This sequence change replaces alanine, which is neutral and non-polar, with valine, which is neutral and non-polar, at codon 196 of the PSTPIP1 protein (p.Ala196Val). This variant is present in population databases (rs370965231, gnomAD 0.06%), and has an allele count higher than expected for a pathogenic variant. This variant has not been reported in the literature in individuals affected with PSTPIP1-related conditions. ClinVar contains an entry for this variant (Variation ID: 649667). Invitae Evidence Modeling of protein sequence and biophysical properties (such as structural, functional, and spatial information, amino acid conservation, physicochemical variation, residue mobility, and thermodynamic stability) indicates that this missense variant is not expected to disrupt PSTPIP1 protein function with a negative predictive value of 80%. In summary, the available evidence is currently insufficient to determine the role of this variant in disease. Therefore, it has been classified as a Variant of Uncertain Significance.

Blueprint Genetics
Classification: Likely benign. Last evaluated: 2024-04-19. Review status: criteria provided, single submitter. Criteria: ACMG Guidelines, 2015. Collection method: clinical testing. Allele origin: germline.

ARUP Laboratories, Molecular Genetics and Genomics, ARUP Laboratories
Classification: Uncertain significance for Pyogenic arthritis-pyoderma gangrenosum-acne syndrome. Last evaluated: 2019-02-05. Review status: criteria provided, single submitter. Criteria: ARUP Molecular Germline Variant Investigation Process. Collection method: clinical testing. Allele origin: germline.
Comment: The PSTPIP1 c.587C>T; p.Ala196Val variant (rs370965231), to our knowledge, is not reported in the medical literature or gene specific databases. This variant is found in the general population with an overall allele frequency of 0.01% (35/278320 alleles) in the Genome Aggregation Database. The alanine at codon 196 is weakly conserved and computational analyses (SIFT, PolyPhen-2) predict that this variant is tolerated. However, due to limited information, the clinical significance of the p.Ala196Val variant is uncertain at this time.

NM_003978.5(PSTPIP1):c.587C>T (p.Ala196Val)

Gene: PSTPIP1 (proline-serine-threonine phosphatase interacting protein 1; plus strand). Cytogenetic location: 15q24.3.
Variant type: single nucleotide variant.
Coding change: c.587C>T on transcript NM_003978.5 (MANE Select); coding-DNA position 587, C replaced by T.
Protein change: p.Ala196Val; replaces alanine 196 with valine.
Molecular consequence: missense variant.
Genome position (GRCh38, 1-based): chr15:77,030,526, C>T. VCF-style: chr15-77030526-C-T. GRCh37 (hg19) VCF-style: chr15-77322867-C-T.
Other names: c.587C>T (LRG_172t1); c.587C>T, p.Ala196Val (NM_001321135.2); c.560C>T, p.Ala187Val (NM_001321136.2); c.782C>T, p.Ala261Val (NM_001321137.1); short protein forms A187V, A196V, A261V.
Identifiers: ClinVar variation 649667 (VCV000649667.19), dbSNP rs370965231, ClinGen allele CA7675895.
Genomic context (GRCh38, chr15:77,030,526, plus strand): 5'-TGTCAGGGCCCTCCCTGAGGCTGCCTGCGCTTTCAGAGCGGGTATACAGGCAGAGCATTG[C>T]GCAGCTGGAGAAGGTCCGGGCTGAGTGGGAGCAGGAGCACCGGACCACCTGTGAGGTGAG-3'
Protein context (NP_003969.2, residues 186-206): EAERVYRQSI[Ala196Val]QLEKVRAEWE